The following is an entry in ClinVar:

NM_020631.6(PLEKHG5):c.884A>T (p.Asp295Val)

Gene: PLEKHG5 (pleckstrin homology and RhoGEF domain containing G5; minus strand). Cytogenetic location: 1p36.31.
Variant type: single nucleotide variant.
Coding change: c.884A>T on transcript NM_020631.6 (MANE Select); coding-DNA position 884, A replaced by T.
Protein change: p.Asp295Val; replaces aspartic acid 295 with valine.
Molecular consequence: missense variant.
Genome position (GRCh38, 1-based): chr1:6,473,086, T>A on the plus strand (A>T on the coding strand, the complement: PLEKHG5 is on the minus strand). VCF-style: chr1-6473086-T-A. GRCh37 (hg19) VCF-style: chr1-6533146-T-A.
Other names: c.995A>T, p.Asp332Val (NM_001042663.3, NM_001265592.2); c.884A>T, p.Asp295Val (NM_001042664.2, NM_001042665.2, NM_001265594.3 and 1 more transcripts); c.1091A>T, p.Asp364Val (NM_001265593.2); short protein forms D295V, D332V, D364V.
Identifiers: ClinVar variation 1001806 (VCV001001806.9), dbSNP rs1356599252, ClinGen allele CA338134503.

ClinVar aggregate classification (germline): Uncertain significance. Review status: criteria provided, multiple submitters, no conflicts (2 of 4 stars). 2 submissions from 2 submitters: Uncertain significance (2). Last evaluated 2024-02-24.

Conditions:
Charcot-Marie-Tooth disease recessive intermediate C. Also called: CHARCOT-MARIE-TOOTH NEUROPATHY, RECESSIVE INTERMEDIATE C. Identifiers: Orphanet 369867, MedGen C3809309, MONDO:0014154, OMIM 615376.
Neuronopathy, distal hereditary motor, autosomal recessive 4. Also called: NEUROPATHY, DISTAL HEREDITARY MOTOR, AUTOSOMAL RECESSIVE 4; Autosomal recessive lower motor neuron disease with childhood onset. Identifiers: Orphanet 206580, MedGen C1970211, MONDO:0012608, OMIM 611067.
Inborn genetic diseases. Identifiers: MedGen C0950123, MeSH D030342.

Allele frequency attached by ClinVar (database versions not stated): gnomAD 0.00001; TOPMed 0.00002.
gnomAD v4.1: 5 of 1,613,850 alleles (0.00031%); highest among the groups gnomAD compares: African/African-American, 0.0067%; no homozygotes.

Submissions (2):

Labcorp Genetics (formerly Invitae), Labcorp
Classification: Uncertain significance for Neuronopathy, distal hereditary motor, autosomal recessive 4; Charcot-Marie-Tooth disease recessive intermediate C. Last evaluated: 2024-02-24. Review status: criteria provided, single submitter. Criteria: Invitae Variant Classification Sherloc (09022015). Collection method: clinical testing. Allele origin: germline.
Comment: This sequence change replaces aspartic acid, which is acidic and polar, with valine, which is neutral and non-polar, at codon 295 of the PLEKHG5 protein (p.Asp295Val). This variant is not present in population databases (gnomAD no frequency). This variant has not been reported in the literature in individuals affected with PLEKHG5-related conditions. ClinVar contains an entry for this variant (Variation ID: 1001806). An algorithm developed to predict the effect of missense changes on protein structure and function (PolyPhen-2) suggests that this variant is likely to be disruptive. In summary, the available evidence is currently insufficient to determine the role of this variant in disease. Therefore, it has been classified as a Variant of Uncertain Significance.

Ambry Genetics
Classification: Uncertain significance for Inborn genetic diseases. Last evaluated: 2022-05-27. Review status: criteria provided, single submitter. Criteria: Ambry Variant Classification Scheme 2023. Collection method: clinical testing. Allele origin: germline.